The following is an entry in ClinVar:

NM_000501.4(ELN):c.1191_1199del (p.Tyr397_Gly400delinsTer)

Gene: ELN (elastin; plus strand). Cytogenetic location: 7q11.23.
Variant type: Deletion.
Coding change: c.1191_1199del on transcript NM_000501.4 (MANE Select); coding-DNA positions 1191 to 1199, 9 bases deleted (CGGGGTTGG; older notation c.1191_1199delCGGGGTTGG).
Protein change: p.Tyr397_Gly400delinsTer.
Molecular consequence: nonsense.
Genome position (GRCh38, 1-based): chr7:74,056,311-74,056,319, CGGGGTTGG deleted. VCF-style (leftmost placement, unchanged base first): chr7-74056310-ACGGGGTTGG-A. GRCh37 (hg19) VCF-style: chr7-73470640-ACGGGGTTGG-A.
Other names: c.1161_1169del, p.Tyr387_Gly390delinsTer (NM_001081752.3, NM_001278917.2); c.1206_1214del, p.Tyr402_Gly405delinsTer (NM_001081753.3, NM_001081754.3); c.1191_1199del, p.Tyr397_Gly400delinsTer (NM_001081755.3, NM_001278912.2, NM_001278915.2 and 1 more transcripts); c.1083_1091del, p.Tyr361_Gly364delinsTer (NM_001278913.2); c.1176_1184del, p.Tyr392_Gly395delinsTer (NM_001278914.2); c.1149_1157del, p.Tyr383_Gly386delinsTer (NM_001278916.2); c.1059_1067del, p.Tyr353_Gly356delinsTer (NM_001278918.2).
Identifiers: ClinVar variation 1071054 (VCV001071054.9), dbSNP rs2132059492, ClinGen allele CA2499219008.

ClinVar aggregate classification (germline): Pathogenic (1 of 4 stars; one submission).

Conditions:
Supravalvar aortic stenosis (SVAS). Also called: Supravalvar aortic stenosis, Eisenberg type. Identifiers: Orphanet 3193, MedGen C0003499, MONDO:0008504, OMIM 185500, HP:0004381.

Submission:

Labcorp Genetics (formerly Invitae), Labcorp
Classification: Pathogenic for Supravalvar aortic stenosis. Last evaluated: 2020-08-31. Review status: criteria provided, single submitter. Criteria: Invitae Variant Classification Sherloc (09022015). Collection method: clinical testing. Allele origin: germline.
Comment: For these reasons, this variant has been classified as Pathogenic. Loss-of-function variants in ELN are known to be pathogenic (PMID: 11175284). This variant has been observed in individual(s) with supravalvular aortic stenosis (PMID: 10942104). This variant is not present in population databases (ExAC no frequency). This sequence change creates a premature translational stop signal (p.Tyr397*) in the ELN gene. It is expected to result in an absent or disrupted protein product.

Literature cited by the submitters: PubMed 11175284; PubMed 10942104.